The following is an entry in ClinVar:

ClinVar aggregate classification (germline): Pathogenic/Likely pathogenic. Review status: criteria provided, multiple submitters, no conflicts (2 of 4 stars). 2 submissions from 2 submitters: Pathogenic (1); Likely pathogenic (1). Last evaluated 2024-09-27.

Conditions:
APRT-related disorder. Also called: APRT-related condition.

Submissions (2):

Labcorp Genetics (formerly Invitae), Labcorp
Classification: Pathogenic. Last evaluated: 2024-09-27. Review status: criteria provided, single submitter. Criteria: Invitae Variant Classification Sherloc (09022015). Collection method: clinical testing. Allele origin: germline.
Comment: This sequence change creates a premature translational stop signal (p.Lys91Glufs*19) in the APRT gene. It is expected to result in an absent or disrupted protein product. Loss-of-function variants in APRT are known to be pathogenic (PMID: 7685481, 20150536, 28717278). The frequency data for this variant in the population databases is considered unreliable, as metrics indicate poor data quality at this position in the gnomAD database. This variant has not been reported in the literature in individuals affected with APRT-related conditions. For these reasons, this variant has been classified as Pathogenic.

Blueprint Genetics
Classification: Likely pathogenic for APRT-related disorders. Last evaluated: 2020-11-19. Review status: criteria provided, single submitter. Criteria: ACMG Guidelines, 2015. Collection method: clinical testing. Allele origin: germline. Affected: yes. Observed: 2 variant alleles.

Literature cited by the submitters: PubMed 7685481 (cited by Labcorp Genetics (formerly Invitae), Labcorp); PubMed 20150536 (cited by Labcorp Genetics (formerly Invitae), Labcorp); PubMed 28717278 (cited by Labcorp Genetics (formerly Invitae), Labcorp).

NM_000485.3(APRT):c.270dup (p.Lys91fs)

Gene: APRT (adenine phosphoribosyltransferase; minus strand). Cytogenetic location: 16q24.3.
Variant type: Duplication.
Coding change: c.270dup on transcript NM_000485.3 (MANE Select); coding-DNA position 270, one base duplicated (G; older notation c.270dupG).
Protein change: p.Lys91fs; shifts the reading frame from lysine 91.
Molecular consequence: frameshift variant.
Genome position (GRCh38, 1-based): chr16:88,810,474, C duplicated on the plus strand (G on the coding strand, the reverse complement: APRT is on the minus strand); the first of 5 consecutive C bases (chr16:88,810,474-88,810,478); duplicating any one gives the same sequence. VCF-style (leftmost placement, unchanged base first): chr16-88810473-T-TC. GRCh37 (hg19) VCF-style: chr16-88876881-T-TC.
Other names: c.270dup, p.Lys91fs (NM_001030018.2); short protein forms K91fs.
Identifiers: ClinVar variation 3697422 (VCV003697422.3).